The following is an entry in ClinVar:

NM_001321075.3(DLG4):c.459C>T (p.Pro153=)

Gene: DLG4 (discs large MAGUK scaffold protein 4; minus strand). Cytogenetic location: 17p13.1.
Variant type: single nucleotide variant.
Coding change: c.459C>T on transcript NM_001321075.3 (MANE Select); coding-DNA position 459, C replaced by T.
Protein change: p.Pro153=; no amino-acid change (proline 153 retained).
Molecular consequence: synonymous variant. On other transcripts: non-coding transcript variant (1).
Genome position (GRCh38, 1-based): chr17:7,203,470, G>A on the plus strand (C>T on the coding strand, the complement: DLG4 is on the minus strand). VCF-style: chr17-7203470-G-A. GRCh37 (hg19) VCF-style: chr17-7106789-G-A.
Other names: c.450C>T, p.Pro150= (NM_001128827.4); c.579C>T, p.Pro193= (NM_001321074.1); c.279C>T, p.Pro93= (NM_001321076.3, NM_001321077.3); c.588C>T, p.Pro196= (NM_001365.5); c.378C>T, p.Pro126= (NM_001369566.3).
Identifiers: ClinVar variation 734483 (VCV000734483.7), dbSNP rs370864740, ClinGen allele CA8337192.

ClinVar aggregate classification (germline): Benign/Likely benign. Review status: criteria provided, multiple submitters, no conflicts (2 of 4 stars). 3 submissions from 3 submitters: Benign (1); Likely benign (1). 1 of the submissions does not count toward it. Last evaluated 2024-10-30.

Conditions:
DLG4-related disorder. Also called: DLG4-related condition.

Allele frequency attached by ClinVar (database versions not stated): TOPMed 0.00014; gnomAD 0.00021 and 0.00029; ESP Exome Variant Server 0.00032; gnomAD exomes 0.00043; ExAC 0.00056; 1000 Genomes Project 30x 0.00062; 1000 Genomes Project 0.00080.
gnomAD v4.1: 464 of 1,612,606 alleles (0.029%); highest among the groups gnomAD compares: South Asian, 0.22%; 6 homozygotes.

Submissions (3):

Blueprint Genetics
Classification: Likely benign. Last evaluated: 2024-10-30. Review status: criteria provided, single submitter. Criteria: ACMG Guidelines, 2015. Collection method: clinical testing. Allele origin: germline.

Labcorp Genetics (formerly Invitae), Labcorp
Classification: Benign. Last evaluated: 2019-12-31. Review status: criteria provided, single submitter. Criteria: Invitae Variant Classification Sherloc (09022015). Collection method: clinical testing. Allele origin: germline.

PreventionGenetics, part of Exact Sciences
Classification: Likely benign for DLG4-related condition. Last evaluated: 2019-08-13. Review status: no assertion criteria provided. Collection method: clinical testing. Allele origin: germline. Not counted in ClinVar's aggregate classification.
Comment: This variant is classified as likely benign based on ACMG/AMP sequence variant interpretation guidelines (Richards et al. 2015 PMID: 25741868, with internal and published modifications).